The following is an entry in ClinVar:

NM_001042492.3(NF1):c.3096C>A (p.Cys1032Ter)

Gene: NF1 (neurofibromin 1; plus strand). Cytogenetic location: 17q11.2.
Variant type: single nucleotide variant.
Coding change: c.3096C>A on transcript NM_001042492.3 (MANE Select); coding-DNA position 3096, C replaced by A.
Protein change: p.Cys1032Ter; replaces cysteine 1032 with a stop codon.
Molecular consequence: nonsense.
Genome position (GRCh38, 1-based): chr17:31,230,365, C>A. VCF-style: chr17-31230365-C-A. GRCh37 (hg19) VCF-style: chr17-29557383-C-A.
Other names: c.3096C>A, p.Cys1032Ter (NM_000267.4); short protein forms C1032*.
Identifiers: ClinVar variation 947778 (VCV000947778.6), dbSNP rs747965344, ClinGen allele CA398987621.

ClinVar aggregate classification (germline): Pathogenic (1 of 4 stars; one submission).

Conditions:
Neurofibromatosis, type 1 (NF1). Also called: Peripheral type neurofibromatosis; Neurofibromatosis, type I; VON RECKLINGHAUSEN DISEASE; NEUROFIBROMATOSIS, TYPE I, SOMATIC. Identifiers: Orphanet 636, MedGen C0027831, MONDO:0018975, OMIM 162200. Disease mechanism: loss of function.

Submission:

Labcorp Genetics (formerly Invitae), Labcorp
Classification: Pathogenic for Neurofibromatosis, type 1. Last evaluated: 2019-05-21. Review status: criteria provided, single submitter. Criteria: Invitae Variant Classification Sherloc (09022015). Collection method: clinical testing. Allele origin: germline.
Comment: This sequence change creates a premature translational stop signal (p.Cys1032*) in the NF1 gene. It is expected to result in an absent or disrupted protein product. This variant is not present in population databases (ExAC no frequency). This variant has been reported in individuals in the Leiden Open-source Variation Database (PMID: 21520333). Loss-of-function variants in NF1 are known to be pathogenic (PMID: 10712197, 23913538). For these reasons, this variant has been classified as Pathogenic.

Literature cited by the submitters: PubMed 21520333; PubMed 10712197; PubMed 23913538.